The following is an entry in ClinVar:

NM_007055.4(POLR3A):c.740C>T (p.Pro247Leu)

Gene: POLR3A (RNA polymerase III subunit A; minus strand). Cytogenetic location: 10q22.3.
Variant type: single nucleotide variant.
Coding change: c.740C>T on transcript NM_007055.4 (MANE Select); coding-DNA position 740, C replaced by T.
Protein change: p.Pro247Leu; replaces proline 247 with leucine.
Molecular consequence: missense variant.
Genome position (GRCh38, 1-based): chr10:78,022,290, G>A on the plus strand (C>T on the coding strand, the complement: POLR3A is on the minus strand). VCF-style: chr10-78022290-G-A. GRCh37 (hg19) VCF-style: chr10-79782048-G-A.
Other names: short protein forms P247L.
Identifiers: ClinVar variation 1206387 (VCV001206387.5), dbSNP rs774454534, ClinGen allele CA5571615.

ClinVar aggregate classification (germline): Uncertain significance. Review status: criteria provided, single submitter (1 of 4 stars). 3 submissions from 3 submitters: Uncertain significance (1). 2 of the submissions do not count toward it. Last evaluated 2022-05-03.

Allele frequency attached by ClinVar (database versions not stated): gnomAD exomes below 0.00001 and 0.00001; gnomAD 0.00001; ExAC 0.00002.
gnomAD v4.1: 5 of 1,614,064 alleles (0.00031%); highest among the groups gnomAD compares: East Asian, 0.0022%; no homozygotes.

Submissions (3):

Labcorp Genetics (formerly Invitae), Labcorp
Classification: Uncertain significance. Last evaluated: 2022-05-03. Review status: criteria provided, single submitter. Criteria: Invitae Variant Classification Sherloc (09022015). Collection method: clinical testing. Allele origin: germline.
Comment: This sequence change replaces proline, which is neutral and non-polar, with leucine, which is neutral and non-polar, at codon 247 of the POLR3A protein (p.Pro247Leu). This variant is present in population databases (rs774454534, gnomAD 0.003%). This variant has not been reported in the literature in individuals affected with POLR3A-related conditions. ClinVar contains an entry for this variant (Variation ID: 1206387). Algorithms developed to predict the effect of missense changes on protein structure and function are either unavailable or do not agree on the potential impact of this missense change (SIFT: "Deleterious"; PolyPhen-2: "Possibly Damaging"; Align-GVGD: "Class C0"). In summary, the available evidence is currently insufficient to determine the role of this variant in disease. Therefore, it has been classified as a Variant of Uncertain Significance.

Joint Genome Diagnostic Labs from Nijmegen and Maastricht, Radboudumc and MUMC+
Classification: Uncertain significance. Review status: no assertion criteria provided. Collection method: clinical testing. Allele origin: germline. Affected: yes. Study: VKGL Data-share Consensus. Not counted in ClinVar's aggregate classification.

Laboratory of Diagnostic Genome Analysis, Leiden University Medical Center (LUMC)
Classification: Uncertain significance. Review status: no assertion criteria provided. Collection method: clinical testing. Allele origin: germline. Affected: yes. Study: VKGL Data-share Consensus. Not counted in ClinVar's aggregate classification.